The following is an entry in ClinVar:

NM_032119.4(ADGRV1):c.18858C>A (p.Gly6286=)

Gene: ADGRV1 (adhesion G protein-coupled receptor V1; plus strand). Cytogenetic location: 5q14.3.
Variant type: single nucleotide variant.
Coding change: c.18858C>A on transcript NM_032119.4 (MANE Select); coding-DNA position 18858, C replaced by A.
Protein change: p.Gly6286=; no amino-acid change (glycine 6286 retained).
Molecular consequence: synonymous variant. On other transcripts: non-coding transcript variant (1).
Genome position (GRCh38, 1-based): chr5:91,163,837, C>A. VCF-style: chr5-91163837-C-A. GRCh37 (hg19) VCF-style: chr5-90459654-C-A.
Other names: c.18858C>A (NM_032119.3).
Identifiers: ClinVar variation 1097537 (VCV001097537.10), dbSNP rs1006984144, ClinGen allele CA123053776.
Genomic context (GRCh38, chr5:91,163,837, plus strand): 5'-GGCAGGTGCTGGTCTCAGTGTCAGTGATAATGAATCTGGTCAAGGCAGCCAGGAGGGGGG[C>A]ACCTTGACTGACTCCCAGATCGTGGAGCTCAGGAGGATACCCATCGCCGACACTCACCTG-3'
Protein context (NP_115495.3, residues 6276-6296): NESGQGSQEG[Gly6286=]TLTDSQIVEL

ClinVar aggregate classification (germline): Likely benign. Review status: criteria provided, multiple submitters, no conflicts (2 of 4 stars). 2 submissions from 2 submitters: Likely benign (2). Last evaluated 2025-09-05.

Conditions:
ADGRV1-related disorder. Also called: ADGRV1-related condition; ADGRV1-related disorders.

Allele frequency attached by ClinVar (database versions not stated): gnomAD exomes 0.00001.
gnomAD v4.1: 19 of 1,606,790 alleles (0.0012%); highest among the groups gnomAD compares: Non-Finnish European, 0.0016%; no homozygotes.

Submissions (2):

Labcorp Genetics (formerly Invitae), Labcorp
Classification: Likely benign. Last evaluated: 2025-09-05. Review status: criteria provided, single submitter. Criteria: Invitae Variant Classification Sherloc (09022015). Collection method: clinical testing. Allele origin: germline.

PreventionGenetics, part of Exact Sciences
Classification: Likely benign for ADGRV1-related condition. Last evaluated: 2025-05-14. Review status: criteria provided, single submitter. Criteria: ACMG Guidelines, 2015. Collection method: clinical testing. Allele origin: germline.
Comment: This variant is classified as likely benign based on ACMG/AMP sequence variant interpretation guidelines (Richards et al. 2015 PMID: 25741868, with internal and published modifications).